The following is an entry in ClinVar:

NM_001008537.3(NEXMIF):c.2131G>T (p.Gly711Trp)

Gene: NEXMIF (neurite extension and migration factor; minus strand). Cytogenetic location: Xq13.3.
Variant type: single nucleotide variant.
Coding change: c.2131G>T on transcript NM_001008537.3 (MANE Select); coding-DNA position 2131, G replaced by T.
Protein change: p.Gly711Trp; replaces glycine 711 with tryptophan.
Molecular consequence: missense variant.
Genome position (GRCh38, 1-based): chrX:74,742,426, C>A on the plus strand (G>T on the coding strand, the complement: NEXMIF is on the minus strand). VCF-style: chrX-74742426-C-A. GRCh37 (hg19) VCF-style: chrX-73962261-C-A.
Other names: short protein forms G711W.
Identifiers: ClinVar variation 4057153 (VCV004057153.1).
Genomic context (GRCh38, chrX:74,742,426, plus strand): 5'-TAGATTTTAACCTAGCTTCACTTTTAAATTTGATTTTATTGAGCACTTTCCTCTCTGGCC[C>A]CTTAAACTCTGTGTCTTGGGCTTTGACTTTCACTGAGTCAGGGCCTGTGATGTCATTTAA-3'
Protein context (NP_001008537.1, residues 701-721): KVKAQDTEFK[Gly711Trp]PERKVLNKIK

ClinVar aggregate classification (germline): Uncertain significance (1 of 4 stars; one submission).

Submission:

GeneDx
Classification: Uncertain significance. Last evaluated: 2025-01-10. Review status: criteria provided, single submitter. Criteria: GeneDx Variant Classification Process June 2021. Collection method: clinical testing. Allele origin: germline. Affected: yes.
Comment: Not observed at significant frequency in large population cohorts (gnomAD); In silico analysis supports that this missense variant has a deleterious effect on protein structure/function; Has not been previously published as pathogenic or benign to our knowledge